The following is an entry in ClinVar:

NM_001395656.1(ROBO2):c.-542T>C

Gene: ROBO2 (roundabout guidance receptor 2; plus strand). Cytogenetic location: 3p12.3.
Variant type: single nucleotide variant.
Coding change: c.-542T>C on transcript NM_001395656.1 (MANE Select); 542 bases upstream of the start codon, T replaced by C.
Molecular consequence: 5 prime UTR variant. On other transcripts: intron variant (16).
Genome position (GRCh38, 1-based): chr3:77,040,244, T>C. VCF-style: chr3-77040244-T-C. GRCh37 (hg19) VCF-style: chr3-77089395-T-C.
Other names: c.-542T>C (NM_001290039.2, NM_001290040.2, NM_001378193.1 and 3 more transcripts); c.-2460T>C (NM_001290065.2); c.110-57770T>C (NM_001378191.1, NM_001378195.1, NM_001378196.1 and 5 more transcripts); c.131-57770T>C (NM_001394213.1, NM_001378192.1, NM_001378198.1 and 5 more transcripts).
Identifiers: ClinVar variation 346667 (VCV000346667.8), dbSNP rs3923745, ClinGen allele CA10619571.

ClinVar aggregate classification (germline): Benign. Review status: criteria provided, multiple submitters, no conflicts (2 of 4 stars). 3 submissions from 3 submitters: Benign (3). Last evaluated 2018-11-12.

Conditions:
Vesicoureteral reflux 2 (VUR2). Identifiers: Orphanet 289365, MedGen C1970483, MONDO:0012573, OMIM 610878.

Allele frequency attached by ClinVar (database versions not stated): gnomAD exomes 0.35358; gnomAD 0.45008 and 0.45583; TOPMed 0.46524; 1000 Genomes Project 0.48682; 1000 Genomes Project 30x 0.49188.
gnomAD v4.1: 364,401 of 987,786 alleles (37%); highest among the groups gnomAD compares: African/African-American, 68%; 70,708 homozygotes.

Submissions (3):

GeneDx
Classification: Benign. Last evaluated: 2018-11-12. Review status: criteria provided, single submitter. Criteria: GeneDx Variant Classification Process June 2021. Collection method: clinical testing. Allele origin: germline. Affected: yes.

Illumina Laboratory Services, Illumina
Classification: Benign for Vesicoureteral reflux 2. Last evaluated: 2018-01-12. Review status: criteria provided, single submitter. Criteria: ICSL Variant Classification Criteria 13 December 2019. Collection method: clinical testing. Allele origin: germline.
Comment: This variant was observed in the ICSL laboratory as part of a predisposition screen in an ostensibly healthy population. It had not been previously curated by ICSL or reported in the Human Gene Mutation Database (HGMD: prior to June 1st, 2018), and was therefore a candidate for classification through an automated scoring system. Utilizing variant allele frequency, disease prevalence and penetrance estimates, and inheritance mode, an automated score was calculated to assess if this variant is too frequent to cause the disease. Based on the score and internal cut-off values, a variant classified as benign is not then subjected to further curation. The score for this variant resulted in a classification of benign for this disease.

Breakthrough Genomics
Classification: Benign. Review status: criteria provided, single submitter. Criteria: ACMG Guidelines, 2015. Collection method: not provided. Allele origin: germline. Inheritance: Autosomal dominant inheritance. Affected: yes.